The following is an entry in ClinVar:

ClinVar aggregate classification (germline): Uncertain significance. Review status: criteria provided, multiple submitters, no conflicts (2 of 4 stars). 2 submissions from 2 submitters: Uncertain significance (2). Last evaluated 2026-03-18.

Conditions:
Hereditary cancer-predisposing syndrome. Also called: Tumor predisposition; Hereditary Cancer Syndrome; Hereditary neoplastic syndrome; Neoplastic Syndromes, Hereditary. Identifiers: Orphanet 140162, MedGen C0027672, MeSH D009386, MONDO:0015356.
POLD1-related polyposis and colorectal cancer syndrome (CRCS10). Also called: Colorectal cancer 10; Colorectal cancer, susceptibility to, 10; COLORECTAL CANCER, SUSCEPTIBILITY TO, ON CHROMOSOME 19q. Identifiers: Orphanet 220460, MedGen C2675481, MONDO:0012953, OMIM 612591.

gnomAD v4.1: 1 of 1,613,500 alleles (0.000062%); highest among the groups gnomAD compares: Non-Finnish European, 0.000085%; no homozygotes.

Submissions (2):

Ambry Genetics
Classification: Uncertain significance for Hereditary cancer-predisposing syndrome. Last evaluated: 2026-03-18. Review status: criteria provided, single submitter. Criteria: Ambry Variant Classification Scheme 2023. Collection method: clinical testing. Allele origin: germline.
Comment: The p.G643W variant (also known as c.1927G>T), located in coding exon 15 of the POLD1 gene, results from a G to T substitution at nucleotide position 1927. The glycine at codon 643 is replaced by tryptophan, an amino acid with highly dissimilar properties. This amino acid position is highly conserved in available vertebrate species. In addition, this alteration is predicted to be deleterious by in silico analysis. Based on the available evidence, the clinical significance of this variant remains unclear.

Labcorp Genetics (formerly Invitae), Labcorp
Classification: Uncertain significance for POLD1-related polyposis and colorectal cancer syndrome. Last evaluated: 2024-01-27. Review status: criteria provided, single submitter. Criteria: Invitae Variant Classification Sherloc (09022015). Collection method: clinical testing. Allele origin: germline.
Comment: This sequence change replaces glycine, which is neutral and non-polar, with tryptophan, which is neutral and slightly polar, at codon 643 of the POLD1 protein (p.Gly643Trp). This variant is not present in population databases (gnomAD no frequency). This variant has not been reported in the literature in individuals affected with POLD1-related conditions. Advanced modeling of protein sequence and biophysical properties (such as structural, functional, and spatial information, amino acid conservation, physicochemical variation, residue mobility, and thermodynamic stability) performed at Invitae indicates that this missense variant is expected to disrupt POLD1 protein function with a positive predictive value of 80%. In summary, the available evidence is currently insufficient to determine the role of this variant in disease. Therefore, it has been classified as a Variant of Uncertain Significance.

NM_002691.4(POLD1):c.1927G>T (p.Gly643Trp)

Gene: POLD1 (DNA polymerase delta 1, catalytic subunit; plus strand). Cytogenetic location: 19q13.33.
Variant type: single nucleotide variant.
Coding change: c.1927G>T on transcript NM_002691.4 (MANE Select); coding-DNA position 1927, G replaced by T.
Protein change: p.Gly643Trp; replaces glycine 643 with tryptophan.
Molecular consequence: missense variant. On other transcripts: non-coding transcript variant (1).
Genome position (GRCh38, 1-based): chr19:50,409,156, G>T. VCF-style: chr19-50409156-G-T. GRCh37 (hg19) VCF-style: chr19-50912413-G-T.
Other names: c.1927G>T, p.Gly643Trp (NM_001256849.1); c.2005G>T, p.Gly669Trp (NM_001308632.1); c.1927G>T (NM_002691.2); short protein forms G669W, G643W.
Identifiers: ClinVar variation 2713409 (VCV002713409.4), dbSNP rs142361709, ClinGen allele CA406982257.